The following is an entry in ClinVar:

ClinVar aggregate classification (germline): Likely pathogenic (1 of 4 stars; one submission).

Conditions:
Nemaline myopathy 2 (NEM2). Also called: Nemaline myopathy 2, autosomal recessive. Identifiers: MedGen C1850569, MONDO:0009725, OMIM 256030.

Submission:

Labcorp Genetics (formerly Invitae), Labcorp
Classification: Likely pathogenic for Nemaline myopathy 2. Last evaluated: 2023-09-17. Review status: criteria provided, single submitter. Criteria: Invitae Variant Classification Sherloc (09022015). Collection method: clinical testing. Allele origin: germline.
Comment: In summary, the currently available evidence indicates that the variant is pathogenic, but additional data are needed to prove that conclusively. Therefore, this variant has been classified as Likely Pathogenic. This variant has not been reported in the literature in individuals affected with NEB-related conditions. This variant is not present in population databases (gnomAD no frequency). This variant results in the deletion of part of exon 181 (c.25340_25402+90del) of the NEB gene. It is expected to disrupt RNA splicing. Variants that disrupt the donor or acceptor splice site typically lead to a loss of protein function (PMID: 16199547), and loss-of-function variants in NEB are known to be pathogenic (PMID: 25205138).

Literature cited by the submitters: PubMed 16199547; PubMed 25205138.

NM_001164508.2(NEB):c.25235_25297+90del

Genes: NEB (nebulin; minus strand), RIF1 (replication timing regulatory factor 1; plus strand). Cytogenetic location: 2q23.3.
Variant type: Deletion.
Coding change: c.25235_25297+90del on transcript NM_001164508.2 (MANE Select); coding-DNA position 25235 through 90 bases into the intron after coding-DNA position 25297, 153 bases deleted.
Molecular consequence: splice donor variant.
Genome position (GRCh38, 1-based): chr2:151,490,282-151,490,434, 153 bases deleted. GRCh37 (hg19): chr2:152,346,799-152,346,951.
Other names: c.19667_19729+90del (NM_004543.5); c.25235_25297+90del (NM_001164507.2); c.25340_25402+90del (NM_001271208.2).
Identifiers: ClinVar variation 2761375 (VCV002761375.3), dbSNP rs2551663650, ClinGen allele CA2697551043.